The following is an entry in ClinVar:

ClinVar aggregate classification (germline): Uncertain significance. Review status: criteria provided, multiple submitters, no conflicts (2 of 4 stars). 2 submissions from 2 submitters: Uncertain significance (2). Last evaluated 2023-07-07.

Conditions:
Cardiovascular phenotype. Identifiers: MedGen CN230736.
Hypertrophic cardiomyopathy. Also called: HYPERTROPHIC MYOCARDIOPATHY. Identifiers: Orphanet 217569, MedGen C0007194, MeSH D002312, MONDO:0005045, HP:0001639.

Submissions (2):

Labcorp Genetics (formerly Invitae), Labcorp
Classification: Uncertain significance for Hypertrophic cardiomyopathy. Last evaluated: 2023-07-07. Review status: criteria provided, single submitter. Criteria: Invitae Variant Classification Sherloc (09022015). Collection method: clinical testing. Allele origin: germline.
Comment: This sequence change falls in intron 26 of the MYBPC3 gene. It does not directly change the encoded amino acid sequence of the MYBPC3 protein. It affects a nucleotide within the consensus splice site. This variant is not present in population databases (gnomAD no frequency). This variant has not been reported in the literature in individuals affected with MYBPC3-related conditions. ClinVar contains an entry for this variant (Variation ID: 839180). Variants that disrupt the consensus splice site are a relatively common cause of aberrant splicing (PMID: 17576681, 9536098). Algorithms developed to predict the effect of sequence changes on RNA splicing suggest that this variant may disrupt the consensus splice site. In summary, the available evidence is currently insufficient to determine the role of this variant in disease. Therefore, it has been classified as a Variant of Uncertain Significance.

Ambry Genetics
Classification: Uncertain significance for Cardiovascular phenotype. Last evaluated: 2023-01-27. Review status: criteria provided, single submitter. Criteria: Ambry Variant Classification Scheme 2023. Collection method: clinical testing. Allele origin: germline.
Comment: The c.2737+4_2737+5delAG intronic variant begins 4 nucleotides after coding exon 26 in the MYBPC3 gene. This variant results from a deletion of two nucleotides at positions c.2737+4 to 2737+5. These nucleotide positions are highly conserved in available vertebrate species. In silico splice site analysis predicts that this alteration will weaken the native splice donor site. Since supporting evidence is limited at this time, the clinical significance of this alteration remains unclear.

Literature cited by the submitters: PubMed 17576681 (cited by Labcorp Genetics (formerly Invitae), Labcorp); PubMed 9536098 (cited by Labcorp Genetics (formerly Invitae), Labcorp).

NM_000256.3(MYBPC3):c.2737+4_2737+5del

Gene: MYBPC3 (myosin binding protein C3; minus strand). Cytogenetic location: 11p11.2.
Variant type: Deletion.
Coding change: c.2737+4_2737+5del on transcript NM_000256.3 (MANE Select); bases 4 to 5 of the intron after coding-DNA position 2737, 2 bases deleted (AG; older notation c.2737+4_2737+5delAG).
Molecular consequence: intron variant.
Genome position (GRCh38, 1-based): chr11:47,335,872-47,335,873, CT deleted on the plus strand (AG on the coding strand, the reverse complement: MYBPC3 is on the minus strand); deleting any 2 consecutive bases within chr11:47,335,872-47,335,874 gives the same sequence; the c. name uses the placement nearest the transcript's 3' end. VCF-style (leftmost placement, unchanged base first): chr11-47335871-ACT-A. GRCh37 (hg19) VCF-style: chr11-47357422-ACT-A.
Other names: c.2737+4_2737+5delAG (NM_000256.3).
Identifiers: ClinVar variation 839180 (VCV000839180.9), dbSNP rs2095881725, ClinGen allele CA916081639.
Genomic context (GRCh38, chr11:47,335,871, plus strand): 5'-TCTGCTCAATGGCAAGGTGAGCATGTTCTTCCTTTGGGGAGGGGGGTTGGGGGCGGGGAC[ACT>A]CACAGCCCTCTGGGCAGTACTCCACGCTGTAGCCATCCAGGCCTCCTGCTCCCACGCGCT-3'